The following is an entry in ClinVar:

NM_000535.7(PMS2):c.500C>T (p.Pro167Leu)

Gene: PMS2 (PMS1 homolog 2, mismatch repair system component; minus strand). Cytogenetic location: 7p22.1.
Variant type: single nucleotide variant.
Coding change: c.500C>T on transcript NM_000535.7 (MANE Select); coding-DNA position 500, C replaced by T.
Protein change: p.Pro167Leu; replaces proline 167 with leucine.
Molecular consequence: missense variant. On other transcripts: 5 prime UTR variant (2), non-coding transcript variant (1).
Genome position (GRCh38, 1-based): chr7:6,002,490, G>A on the plus strand (C>T on the coding strand, the complement: PMS2 is on the minus strand). VCF-style: chr7-6002490-G-A. GRCh37 (hg19) VCF-style: chr7-6042121-G-A.
Other names: c.95C>T, p.Pro32Leu (NM_001322003.2, NM_001322004.2, NM_001322005.2 and 3 more transcripts); c.500C>T, p.Pro167Leu (NM_001322006.2, NM_001322014.2); c.182C>T, p.Pro61Leu (NM_001322007.2, NM_001322008.2); c.-385C>T (NM_001322011.2, NM_001322012.2); c.191C>T, p.Pro64Leu (NM_001322015.2); short protein forms P167L, P61L, P32L, P64L.
Identifiers: ClinVar variation 480343 (VCV000480343.16), dbSNP rs1554303894, ClinGen allele CA366744227.
Genomic context (GRCh38, chr7:6,002,490, plus strand): 5'-AAACCAGGATTAATTTACTGTACCTTCTTAATATTCCTTTGAAATTCCTTATGGCGCACA[G>A]GTAGTGTGGAAAATAACTGCTGCACGCTGACTGTGGTCCCTCTGGGGCGGGGGTAGGGGG-3'
Protein context (NP_000526.2, residues 157-177): VSVQQLFSTL[Pro167Leu]VRHKEFQRNI

ClinVar aggregate classification (germline): Uncertain significance. Review status: criteria provided, multiple submitters, no conflicts (2 of 4 stars). 2 submissions from 2 submitters: Uncertain significance (2). Last evaluated 2025-09-14.

Conditions:
Hereditary nonpolyposis colorectal neoplasms. Identifiers: MedGen C0009405, MeSH D003123.
Hereditary cancer-predisposing syndrome. Also called: Hereditary Cancer Syndrome; Neoplastic Syndromes, Hereditary; Tumor predisposition; Hereditary neoplastic syndrome. Identifiers: Orphanet 140162, MedGen C0027672, MeSH D009386, MONDO:0015356.

Submissions (2):

Labcorp Genetics (formerly Invitae), Labcorp
Classification: Uncertain significance for Hereditary nonpolyposis colorectal neoplasms. Last evaluated: 2025-09-14. Review status: criteria provided, single submitter. Criteria: Invitae Variant Classification Sherloc (09022015). Collection method: clinical testing. Allele origin: germline.
Comment: This sequence change replaces proline, which is neutral and non-polar, with leucine, which is neutral and non-polar, at codon 167 of the PMS2 protein (p.Pro167Leu). This variant is not present in population databases (gnomAD no frequency). This variant has not been reported in the literature in individuals affected with PMS2-related conditions. ClinVar contains an entry for this variant (Variation ID: 480343). Invitae Evidence Modeling of protein sequence and biophysical properties (such as structural, functional, and spatial information, amino acid conservation, physicochemical variation, residue mobility, and thermodynamic stability) indicates that this missense variant is expected to disrupt PMS2 protein function with a positive predictive value of 80%. In summary, the available evidence is currently insufficient to determine the role of this variant in disease. Therefore, it has been classified as a Variant of Uncertain Significance.

Ambry Genetics
Classification: Uncertain significance for Hereditary cancer-predisposing syndrome. Last evaluated: 2025-06-14. Review status: criteria provided, single submitter. Criteria: Ambry Variant Classification Scheme 2023. Collection method: clinical testing. Allele origin: germline.
Comment: The p.P167L variant (also known as c.500C>T), located in coding exon 5 of the PMS2 gene, results from a C to T substitution at nucleotide position 500. The proline at codon 167 is replaced by leucine, an amino acid with similar properties. This amino acid position is highly conserved in available vertebrate species. In addition, this alteration is predicted to be deleterious by in silico analysis. Based on the available evidence, the clinical significance of this variant remains unclear.